The following is an entry in ClinVar:

ClinVar aggregate classification (germline): Uncertain significance. Review status: criteria provided, multiple submitters, no conflicts (2 of 4 stars). 2 submissions from 2 submitters: Uncertain significance (2). Last evaluated 2025-07-15.

Conditions:
BCAS3-related disorder. Also called: BCAS3-related condition.
Inborn genetic diseases. Identifiers: MedGen C0950123, MeSH D030342.

Allele frequency attached by ClinVar (database versions not stated): gnomAD exomes 0.00006; ExAC 0.00007; TOPMed 0.00008; gnomAD 0.00010.
gnomAD v4.1: 105 of 1,614,040 alleles (0.0065%); highest among the groups gnomAD compares: Non-Finnish European, 0.0077%; no homozygotes.

Submissions (2):

PreventionGenetics, part of Exact Sciences
Classification: Uncertain significance for BCAS3-related condition. Last evaluated: 2025-07-15. Review status: criteria provided, single submitter. Criteria: ACMG Guidelines, 2015. Collection method: clinical testing. Allele origin: germline.
Comment: The BCAS3 c.1349G>A variant is predicted to result in the amino acid substitution p.Arg450Gln. To our knowledge, this variant has not been reported in the literature. This variant is reported in 0.0093% of alleles in individuals of European (Non-Finnish) descent in gnomAD. At this time, the clinical significance of this variant is uncertain due to the absence of conclusive functional and genetic evidence.

Ambry Genetics
Classification: Uncertain significance for Inborn genetic diseases. Last evaluated: 2024-02-05. Review status: criteria provided, single submitter. Criteria: Ambry Variant Classification Scheme 2023. Collection method: clinical testing. Allele origin: germline.

NM_017679.5(BCAS3):c.1349G>A (p.Arg450Gln)

Gene: BCAS3 (BCAS3 microtubule associated cell migration factor; plus strand). Cytogenetic location: 17q23.2.
Variant type: single nucleotide variant.
Coding change: c.1349G>A on transcript NM_017679.5 (MANE Select); coding-DNA position 1349, G replaced by A.
Protein change: p.Arg450Gln; replaces arginine 450 with glutamine.
Molecular consequence: missense variant.
Genome position (GRCh38, 1-based): chr17:60,990,098, G>A. VCF-style: chr17-60990098-G-A. GRCh37 (hg19) VCF-style: chr17-59067459-G-A.
Other names: c.1349G>A, p.Arg450Gln (NM_001099432.3, NM_001320470.3, NM_001330413.2 and 4 more transcripts); c.1349G>A (NM_001353144.1); short protein forms R450Q.
Identifiers: ClinVar variation 3133317 (VCV003133317.2), dbSNP rs558030410, ClinGen allele CA8688347.